The following is an entry in ClinVar:

NM_058216.3(RAD51C):c.571+64C>A

Gene: RAD51C (RAD51 paralog C; plus strand). Cytogenetic location: 17q22.
Variant type: single nucleotide variant.
Coding change: c.571+64C>A on transcript NM_058216.3 (MANE Select); 64 bases into the intron after coding-DNA position 571, C replaced by A.
Molecular consequence: intron variant.
Genome position (GRCh38, 1-based): chr17:58,696,923, C>A. VCF-style: chr17-58696923-C-A. GRCh37 (hg19) VCF-style: chr17-56774284-C-A.
Identifiers: ClinVar variation 929793 (VCV000929793.2), dbSNP rs181988623, ClinGen allele CA292050640.
Genomic context (GRCh38, chr17:58,696,923, plus strand): 5'-AGTTAGTAAATGATCTTCTTTTTTTCTGTATTAATAAAAGTAATTTGCATTTGTGCCCAT[C>A]TGAGACCTCAGCAACACTCCATTTGGAATGTGAAGCCTAATTACTGGACAGTTAACTAGT-3'

ClinVar aggregate classification (germline): Likely benign. Review status: criteria provided, single submitter (1 of 4 stars). 2 submissions from 2 submitters: Likely benign (1). 1 of the submissions does not count toward it. Last evaluated 2024-01-23.

Conditions:
Ovarian neoplasm. Also called: Neoplasm of ovary; Ovarian Neoplasms; Ovarian tumor. Identifiers: MedGen C0919267, MeSH D010051, MONDO:0021068, HP:0100615.
Hereditary cancer. Identifiers: MedGen C1333600.

Allele frequency attached by ClinVar (database versions not stated): 1000 Genomes Project 30x 0.00078; 1000 Genomes Project 0.00080; gnomAD 0.00108; TOPMed 0.00124.
gnomAD v4.1: 1,592 of 1,555,192 alleles (0.1%); highest among the groups gnomAD compares: Middle Eastern, 0.12%; 4 homozygotes.

Submissions (2):

Mendelics
Classification: Likely benign for Hereditary cancer. Last evaluated: 2024-01-23. Review status: criteria provided, single submitter. Criteria: ACMG Guidelines, 2015. Collection method: clinical testing. Allele origin: unknown.

Leiden Open Variation Database
Classification: Uncertain significance for Ovarian cancer. Last evaluated: 2012-01-29. Review status: no assertion criteria provided. Collection method: curation. Allele origin: germline. Affected: yes. Not counted in ClinVar's aggregate classification.
Comment: Curator: Arleen D. Auerbach. Submitter to LOVD: Ian Campbell.

Literature cited by the submitters: PubMed 21990120 (cited by Leiden Open Variation Database).